The following is an entry in ClinVar:

NM_145059.3(FCSK):c.2260C>A (p.Arg754Ser)

Gene: FCSK (fucose kinase; plus strand). Cytogenetic location: 16q22.1.
Variant type: single nucleotide variant.
Coding change: c.2260C>A on transcript NM_145059.3 (MANE Select); coding-DNA position 2260, C replaced by A.
Protein change: p.Arg754Ser; replaces arginine 754 with serine.
Molecular consequence: missense variant.
Genome position (GRCh38, 1-based): chr16:70,474,894, C>A. VCF-style: chr16-70474894-C-A. GRCh37 (hg19) VCF-style: chr16-70508797-C-A.
Other names: short protein forms R754S.
Identifiers: ClinVar variation 4984800 (VCV004984800.1).

ClinVar aggregate classification (germline): Uncertain significance (1 of 4 stars; one submission).

Conditions:
FCSK-related disorder. Also called: FCSK-related condition.

Submission:

PreventionGenetics, part of Exact Sciences
Classification: Uncertain significance for FCSK-related condition. Last evaluated: 2026-03-08. Review status: criteria provided, single submitter. Criteria: ACMG Guidelines, 2015. Collection method: clinical testing. Allele origin: germline.
Comment: The FCSK c.2260C>A variant is predicted to result in the amino acid substitution p.Arg754Ser. To our knowledge, this variant has not been reported in the literature. This variant is reported in 0.0025% of alleles in individuals of European (Non-Finnish) descent in gnomAD. At this time, the clinical significance of this variant is uncertain due to the absence of conclusive functional and genetic evidence.